The following is an entry in ClinVar:

NM_001378778.1(MPDZ):c.5893C>T (p.Leu1965Phe)

Gene: MPDZ (multiple PDZ domain crumbs cell polarity complex component; minus strand). Cytogenetic location: 9p23.
Variant type: single nucleotide variant.
Coding change: c.5893C>T on transcript NM_001378778.1 (MANE Select); coding-DNA position 5893, C replaced by T.
Protein change: p.Leu1965Phe; replaces leucine 1965 with phenylalanine.
Molecular consequence: missense variant.
Genome position (GRCh38, 1-based): chr9:13,110,001, G>A on the plus strand (C>T on the coding strand, the complement: MPDZ is on the minus strand). VCF-style: chr9-13110001-G-A. GRCh37 (hg19) VCF-style: chr9-13110000-G-A.
Other names: c.5794C>T, p.Leu1932Phe (NM_001261406.2, NM_001375416.1, NM_001375417.1 and 1 more transcripts); c.5707C>T, p.Leu1903Phe (NM_001261407.2, NM_001375419.1); c.5893C>T, p.Leu1965Phe (NM_001330637.2); c.5992C>T, p.Leu1998Phe (NM_001375413.1); c.5683C>T, p.Leu1895Phe (NM_001375420.1, NM_001375421.1, NM_001375422.1 and 2 more transcripts); c.5596C>T, p.Leu1866Phe (NM_001375425.1, NM_001375426.1); c.5485C>T, p.Leu1829Phe (NM_001375427.1); c.5806C>T, p.Leu1936Phe (NM_003829.5); short protein forms L1829F, L1903F, L1936F, L1998F, L1866F, L1895F, L1932F, L1965F.
Identifiers: ClinVar variation 2181534 (VCV002181534.2), dbSNP rs73404389, ClinGen allele CA4986054.

ClinVar aggregate classification (germline): Uncertain significance. Review status: criteria provided, multiple submitters, no conflicts (2 of 4 stars). 2 submissions from 2 submitters: Uncertain significance (2). Last evaluated 2024-02-16.

gnomAD v4.1: 28 of 1,613,286 alleles (0.0017%); highest among the groups gnomAD compares: Middle Eastern, 0.033%; no homozygotes.

Submissions (2):

Blueprint Genetics
Classification: Uncertain significance. Last evaluated: 2024-02-16. Review status: criteria provided, single submitter. Criteria: ACMG Guidelines, 2015. Collection method: clinical testing. Allele origin: germline.

Labcorp Genetics (formerly Invitae), Labcorp
Classification: Uncertain significance. Last evaluated: 2022-08-05. Review status: criteria provided, single submitter. Criteria: Invitae Variant Classification Sherloc (09022015). Collection method: clinical testing. Allele origin: germline.
Comment: This sequence change replaces leucine, which is neutral and non-polar, with phenylalanine, which is neutral and non-polar, at codon 1936 of the MPDZ protein (p.Leu1936Phe). This variant is present in population databases (rs73404389, gnomAD 0.02%). This variant has not been reported in the literature in individuals affected with MPDZ-related conditions. Algorithms developed to predict the effect of missense changes on protein structure and function are either unavailable or do not agree on the potential impact of this missense change (SIFT: "Deleterious"; PolyPhen-2: "Possibly Damaging"; Align-GVGD: "Class C0"). In summary, the available evidence is currently insufficient to determine the role of this variant in disease. Therefore, it has been classified as a Variant of Uncertain Significance.